The following is an entry in ClinVar:

ClinVar aggregate classification (germline): Likely benign. Review status: criteria provided, multiple submitters, no conflicts (2 of 4 stars). 3 submissions from 3 submitters: Likely benign (2). 1 of the submissions does not count toward it. Last evaluated 2025-11-24.

Conditions:
SON-related disorder. Also called: SON-related condition.
Inborn genetic diseases. Identifiers: MedGen C0950123, MeSH D030342.

Submissions (3):

Labcorp Genetics (formerly Invitae), Labcorp
Classification: Likely benign. Last evaluated: 2025-11-24. Review status: criteria provided, single submitter. Criteria: Invitae Variant Classification Sherloc (09022015). Collection method: clinical testing. Allele origin: germline.

Ambry Genetics
Classification: Likely benign for Inborn genetic diseases. Last evaluated: 2021-09-29. Review status: criteria provided, single submitter. Criteria: Ambry Variant Classification Scheme 2023. Collection method: clinical testing. Allele origin: germline.

PreventionGenetics, part of Exact Sciences
Classification: Likely benign for SON-related condition. Last evaluated: 2023-08-29. Review status: no assertion criteria provided. Collection method: clinical testing. Allele origin: germline. Not counted in ClinVar's aggregate classification.
Comment: This variant is classified as likely benign based on ACMG/AMP sequence variant interpretation guidelines (Richards et al. 2015 PMID: 25741868, with internal and published modifications).

NM_138927.4(SON):c.3105AGCCTACGAGCGCTCTATGATGTC[1] (p.1036AYERSMMS[1])

Gene: SON (SON DNA and RNA binding protein; plus strand). Cytogenetic location: 21q22.11.
Variant type: Microsatellite.
Coding change: c.3105AGCCTACGAGCGCTCTATGATGTC[1] on transcript NM_138927.4 (MANE Select); one copy of the 24-base unit AGCCTACGAGCGCTCTATGATGTC starting at c.3105; the reference has two copies in a row; one copy, 24 bases deleted.
Protein change: p.1036AYERSMMS[1].
Molecular consequence: inframe deletion. On other transcripts: non-coding transcript variant (1), intron variant (1).
Genome position (GRCh38, 1-based): chr21:33,552,360-33,552,383, AGCCTACGAGCGCTCTATGATGTC deleted; deleting any 24 consecutive bases within chr21:33,552,322-33,552,383 gives the same sequence; the position shown is the placement nearest the transcript's 3' end. VCF-style (leftmost placement, unchanged base first): chr21-33552321-ACGCTCTATGATGTCAGCCTACGAG-A. GRCh37 (hg19) VCF-style: chr21-34924627-ACGCTCTATGATGTCAGCCTACGAG-A.
Other names: c.3129_3152del24 (NM_138927.2, NM_138927.1); c.3105AGCCTACGAGCGCTCTATGATGTC[1], p.1036AYERSMMS[1] (NM_001291411.2, NM_032195.3); c.245-4796_245-4773del (NM_001291412.3).
Identifiers: ClinVar variation 1359494 (VCV001359494.11), dbSNP rs746317953, ClinGen allele CA10009209.